The following is an entry in ClinVar:

ClinVar aggregate classification (germline): Likely benign. Review status: reviewed by expert panel (3 of 4 stars). 2 submissions from 2 submitters: Likely benign (1). 1 of the submissions does not count toward it. Last evaluated 2025-07-14.

Conditions:
Inborn genetic diseases. Identifiers: MedGen C0950123, MeSH D030342.
Hereditary thrombocytopenia and hematologic cancer predisposition syndrome. Identifiers: Orphanet 71290, MedGen CN281654, MONDO:0011071.

Submissions (2):

ClinGen Myeloid Malignancy Variant Curation Expert Panel
Classification: Likely benign for Hereditary thrombocytopenia and hematologic cancer predisposition syndrome. Last evaluated: 2025-07-14. Review status: reviewed by expert panel. Criteria: ClinGen MyeloMalig ACMG Specifications v2. Collection method: curation. Allele origin: germline. Inheritance: Autosomal dominant inheritance.
Comment: NM_001754.5(RUNX1):c.1050A>G (p.Pro350=) is a synonymous variant which has a SpliceAI score ≤ 0.20 (0.0) (BP4). This variant has a SpliceAI score ≤ 0.20 (0.0) and evolutionary conservation prediction algorithms predict the site as not being conserved (PhyloP score ≤ 2.0 (-6.50) (BP7). This variant is completely absent from all population databases with at least 20x coverage for RUNX1 (PM2_Supporting). In summary, this variant meets criteria to be classified as likely benign. ACMG/AMP criteria applied, as specified by the Myeloid Malignancy Variant Curation Expert Panel for RUNX1: BP4, BP7, PM2_supporting.

Ambry Genetics
Classification: Likely benign for Inborn genetic diseases. Last evaluated: 2025-02-14. Review status: criteria provided, single submitter. Criteria: Ambry Variant Classification Scheme 2023. Collection method: clinical testing. Allele origin: germline. Not counted in ClinVar's aggregate classification.

NM_001754.5(RUNX1):c.1050A>G (p.Pro350=)

Gene: RUNX1 (RUNX family transcription factor 1; minus strand). Cytogenetic location: 21q22.12.
Variant type: single nucleotide variant.
Coding change: c.1050A>G on transcript NM_001754.5 (MANE Select); coding-DNA position 1050, A replaced by G.
Protein change: p.Pro350=; no amino-acid change (proline 350 retained).
Molecular consequence: synonymous variant.
Genome position (GRCh38, 1-based): chr21:34,792,528, T>C on the plus strand (A>G on the coding strand, the complement: RUNX1 is on the minus strand). VCF-style: chr21-34792528-T-C. GRCh37 (hg19) VCF-style: chr21-36164825-T-C.
Other names: NM_001754.5(RUNX1):c.1050A>G; p.Pro350=; c.969A>G, p.Pro323= (NM_001001890.3).
Identifiers: ClinVar variation 3791510 (VCV003791510.1).